The following is an entry in ClinVar:

ClinVar aggregate classification (germline): Uncertain significance. Review status: criteria provided, multiple submitters, no conflicts (2 of 4 stars). 2 submissions from 2 submitters: Uncertain significance (2). Last evaluated 2024-12-05.

Conditions:
Arrhythmogenic right ventricular dysplasia 13. Also called: Arrhythmogenic right ventricular dysplasia, familial, 13; ARRHYTHMOGENIC RIGHT VENTRICULAR CARDIOMYOPATHY 13. Identifiers: MedGen C3810138, MONDO:0000908, OMIM 615616.

Allele frequency attached by ClinVar (database versions not stated): TOPMed 0.00001.
gnomAD v4.1: 11 of 1,613,598 alleles (0.00068%); highest among the groups gnomAD compares: African/African-American, 0.0013%; no homozygotes.

Submissions (2):

Ambry Genetics
Classification: Uncertain significance. Last evaluated: 2024-12-05. Review status: criteria provided, single submitter. Criteria: Ambry Variant Classification Scheme 2023. Collection method: clinical testing. Allele origin: germline.
Comment: The p.L397F variant (also known as c.1191G>C), located in coding exon 8 of the CTNNA3 gene, results from a G to C substitution at nucleotide position 1191. The leucine at codon 397 is replaced by phenylalanine, an amino acid with highly similar properties. This amino acid position is conserved. In addition, this alteration is predicted to be tolerated by in silico analysis. Based on the available evidence, the clinical significance of this variant remains unclear.

Labcorp Genetics (formerly Invitae), Labcorp
Classification: Uncertain significance for Arrhythmogenic right ventricular dysplasia 13. Last evaluated: 2023-06-20. Review status: criteria provided, single submitter. Criteria: Invitae Variant Classification Sherloc (09022015). Collection method: clinical testing. Allele origin: germline.
Comment: In summary, the available evidence is currently insufficient to determine the role of this variant in disease. Therefore, it has been classified as a Variant of Uncertain Significance. Advanced modeling of protein sequence and biophysical properties (such as structural, functional, and spatial information, amino acid conservation, physicochemical variation, residue mobility, and thermodynamic stability) has been performed at Invitae for this missense variant, however the output from this modeling did not meet the statistical confidence thresholds required to predict the impact of this variant on CTNNA3 protein function. This variant has not been reported in the literature in individuals affected with CTNNA3-related conditions. This variant is present in population databases (no rsID available, gnomAD 0.0009%). This sequence change replaces leucine, which is neutral and non-polar, with phenylalanine, which is neutral and non-polar, at codon 397 of the CTNNA3 protein (p.Leu397Phe).

NM_013266.4(CTNNA3):c.1191G>C (p.Leu397Phe)

Gene: CTNNA3 (catenin alpha 3; minus strand). Cytogenetic location: 10q21.3.
Variant type: single nucleotide variant.
Coding change: c.1191G>C on transcript NM_013266.4 (MANE Select); coding-DNA position 1191, G replaced by C.
Protein change: p.Leu397Phe; replaces leucine 397 with phenylalanine.
Molecular consequence: missense variant.
Genome position (GRCh38, 1-based): chr10:66,766,354, C>G on the plus strand (G>C on the coding strand, the complement: CTNNA3 is on the minus strand). VCF-style: chr10-66766354-C-G. GRCh37 (hg19) VCF-style: chr10-68526112-C-G.
Other names: c.1191G>C, p.Leu397Phe (NM_001127384.3); c.1191G>C (NM_013266.2); short protein forms L397F.
Identifiers: ClinVar variation 2984876 (VCV002984876.4), dbSNP rs751931703, ClinGen allele CA377091964.
Genomic context (GRCh38, chr10:66,766,354, plus strand): 5'-TATCGCAGCATATTCTTTTATTTCCTTTTCCCGGCCATTCTTAGCAGCTTCAATGAGAAC[C>G]AAAAGAGGGACTGTCGTATCCAGGAAAGAGTCTGACACATGATCTATAATAGCCTTGCGG-3'
Protein context (NP_037398.2, residues 387-407): DSFLDTTVPL[Leu397Phe]VLIEAAKNGR